The following is an entry in ClinVar:

ClinVar aggregate classification (germline): Pathogenic (1 of 4 stars; one submission).

Conditions:
Intellectual disability-facial dysmorphism syndrome due to SETD5 haploinsufficiency (MRD23). Also called: Intellectual developmental disorder, autosomal dominant 23. Identifiers: Orphanet 404440, MedGen C3810406, MONDO:0014336, OMIM 615761.

Submission:

Institute of Human Genetics, University of Leipzig Medical Center
Classification: Pathogenic for Intellectual disability-facial dysmorphism syndrome due to SETD5 haploinsufficiency. Last evaluated: 2024-06-17. Review status: criteria provided, single submitter. Criteria: ACMG Guidelines, 2015. Collection method: clinical testing. Allele origin: de novo. Inheritance: Autosomal dominant inheritance. Affected: yes.
Comment: Criteria applied: PVS1,PM2,PS2_SUP

NM_001080517.3(SETD5):c.2838_2847del (p.His947fs)

Gene: SETD5 (SET domain containing 5; plus strand). Cytogenetic location: 3p25.3.
Variant type: Deletion.
Coding change: c.2838_2847del on transcript NM_001080517.3 (MANE Select); coding-DNA positions 2838 to 2847, 10 bases deleted (TCATCCCTCC; older notation c.2838_2847delTCATCCCTCC).
Protein change: p.His947fs; shifts the reading frame from histidine 947.
Molecular consequence: frameshift variant.
Genome position (GRCh38, 1-based): chr3:9,470,572-9,470,581, TCATCCCTCC deleted; deleting any 10 consecutive bases within chr3:9,470,568-9,470,581 gives the same sequence; the c. name uses the placement nearest the transcript's 3' end. VCF-style (leftmost placement, unchanged base first): chr3-9470567-GCTCCTCATCC-G. GRCh37 (hg19) VCF-style: chr3-9512251-GCTCCTCATCC-G.
Other names: c.2544_2553del, p.His849fs (NM_001292043.2, NM_001349451.2); short protein forms H849fs, H947fs.
Identifiers: ClinVar variation 3359044 (VCV003359044.2).